The following is an entry in ClinVar:

ClinVar aggregate classification (germline): Pathogenic (1 of 4 stars; one submission).

Conditions:
Intellectual disability-facial dysmorphism syndrome due to SETD5 haploinsufficiency (MRD23). Also called: Intellectual developmental disorder, autosomal dominant 23. Identifiers: Orphanet 404440, MedGen C3810406, MONDO:0014336, OMIM 615761.

Submission:

Juno Genomics, Hangzhou Juno Genomics, Inc
Classification: Pathogenic for Intellectual disability-facial dysmorphism syndrome due to SETD5 haploinsufficiency. Review status: criteria provided, single submitter. Criteria: ACMG Guidelines, 2015. Collection method: clinical testing. Allele origin: germline. Affected: yes.
Comment: Absent from controls (or at extremely low frequency if recessive) in Genome Aggregation Database, Exome Sequencing Project, 1000 Genomes Project, or Exome Aggregation Consortium.;De novo (both maternity and paternity confirmed) in a patient with the disease and no family history.;Null variant in a gene where loss of function (LOF) is a known mechanism of disease.

NM_001080517.3(SETD5):c.2573dup (p.Pro859fs)

Gene: SETD5 (SET domain containing 5; plus strand). Cytogenetic location: 3p25.3.
Variant type: Duplication.
Coding change: c.2573dup on transcript NM_001080517.3 (MANE Select); coding-DNA position 2573, one base duplicated (C; older notation c.2573dupC).
Protein change: p.Pro859fs; shifts the reading frame from proline 859.
Molecular consequence: frameshift variant.
Genome position (GRCh38, 1-based): chr3:9,464,521, C duplicated; the last of 5 consecutive C bases (chr3:9,464,517-9,464,521); duplicating any one gives the same sequence. VCF-style (leftmost placement, unchanged base first): chr3-9464516-A-AC. GRCh37 (hg19) VCF-style: chr3-9506200-A-AC.
Other names: c.2279dup, p.Pro761fs (NM_001292043.2, NM_001349451.2); short protein forms P761fs, P859fs.
Identifiers: ClinVar variation 3382739 (VCV003382739.2).